The following is an entry in ClinVar:

NM_001987.5(ETV6):c.177T>G (p.Ile59Met)

Genes: ETV6 (ETS variant transcription factor 6; plus strand), LOC126861451 (BRD4-independent group 4 enhancer GRCh37_chr12:11991350-11992549; plus strand). Cytogenetic location: 12p13.2.
Variant type: single nucleotide variant.
Coding change: c.177T>G on transcript NM_001987.5 (MANE Select); coding-DNA position 177, T replaced by G.
Protein change: p.Ile59Met; replaces isoleucine 59 with methionine.
Molecular consequence: missense variant. On other transcripts: 5 prime UTR variant (1).
Genome position (GRCh38, 1-based): chr12:11,839,153, T>G. VCF-style: chr12-11839153-T-G. GRCh37 (hg19) VCF-style: chr12-11992087-T-G.
Other names: c.177T>G, p.Ile59Met (NM_001413918.1, NM_001413916.1, NM_001413917.1); c.174T>G, p.Ile58Met (NM_001413913.1); c.150T>G, p.Ile50Met (NM_001413914.1); c.-88T>G (NM_001413915.1); short protein forms I50M, I58M, I59M.
Identifiers: ClinVar variation 4251489 (VCV004251489.1).

ClinVar aggregate classification (germline): Uncertain significance (1 of 4 stars; one submission).

Conditions:
Inborn genetic diseases. Identifiers: MedGen C0950123, MeSH D030342.

Submission:

Ambry Genetics
Classification: Uncertain significance for Inborn genetic diseases. Last evaluated: 2025-08-30. Review status: criteria provided, single submitter. Criteria: Ambry Variant Classification Scheme 2023. Collection method: clinical testing. Allele origin: germline.
Comment: The p.I59M variant (also known as c.177T>G), located in coding exon 3 of the ETV6 gene, results from a T to G substitution at nucleotide position 177. The isoleucine at codon 59 is replaced by methionine, an amino acid with highly similar properties. This amino acid position is conserved. In addition, this alteration is predicted to be tolerated by in silico analysis. Based on the available evidence, the clinical significance of this variant remains unclear.